The following is an entry in ClinVar:

NM_001122659.3(EDNRB):c.305A>G (p.Tyr102Cys)

Gene: EDNRB (endothelin receptor type B; minus strand). Cytogenetic location: 13q22.3.
Variant type: single nucleotide variant.
Coding change: c.305A>G on transcript NM_001122659.3 (MANE Select); coding-DNA position 305, A replaced by G.
Protein change: p.Tyr102Cys; replaces tyrosine 102 with cysteine.
Molecular consequence: missense variant.
Genome position (GRCh38, 1-based): chr13:77,918,269, T>C on the plus strand (A>G on the coding strand, the complement: EDNRB is on the minus strand). VCF-style: chr13-77918269-T-C. GRCh37 (hg19) VCF-style: chr13-78492404-T-C.
Other names: c.305A>G, p.Tyr102Cys (NM_000115.5, NM_003991.4); c.575A>G, p.Tyr192Cys (NM_001201397.2); short protein forms Y192C, Y102C.
Identifiers: ClinVar variation 2748514 (VCV002748514.3), dbSNP rs2501608613, ClinGen allele CA388452618.

ClinVar aggregate classification (germline): Uncertain significance (1 of 4 stars; one submission).

Allele frequency attached by ClinVar (database versions not stated): gnomAD exomes below 0.00001.

Submission:

Labcorp Genetics (formerly Invitae), Labcorp
Classification: Uncertain significance. Last evaluated: 2023-08-09. Review status: criteria provided, single submitter. Criteria: Invitae Variant Classification Sherloc (09022015). Collection method: clinical testing. Allele origin: germline.
Comment: This sequence change replaces tyrosine, which is neutral and polar, with cysteine, which is neutral and slightly polar, at codon 102 of the EDNRB protein (p.Tyr102Cys). This variant is not present in population databases (gnomAD no frequency). This variant has not been reported in the literature in individuals affected with EDNRB-related conditions. Advanced modeling of protein sequence and biophysical properties (such as structural, functional, and spatial information, amino acid conservation, physicochemical variation, residue mobility, and thermodynamic stability) performed at Invitae indicates that this missense variant is expected to disrupt EDNRB protein function. In summary, the available evidence is currently insufficient to determine the role of this variant in disease. Therefore, it has been classified as a Variant of Uncertain Significance.